The following is an entry in ClinVar:

NM_001374353.1(GLI2):c.3359_3366del (p.Leu1120fs)

Gene: GLI2 (GLI family zinc finger 2; plus strand). Cytogenetic location: 2q14.2.
Variant type: Deletion.
Coding change: c.3359_3366del on transcript NM_001374353.1 (MANE Select); coding-DNA positions 3359 to 3366, 8 bases deleted (TGAACAAA; older notation c.3359_3366delTGAACAAA).
Protein change: p.Leu1120fs; shifts the reading frame from leucine 1120.
Molecular consequence: frameshift variant.
Genome position (GRCh38, 1-based): chr2:120,989,324-120,989,331, TGAACAAA deleted. VCF-style (leftmost placement, unchanged base first): chr2-120989323-CTGAACAAA-C. GRCh37 (hg19) VCF-style: chr2-121746899-CTGAACAAA-C.
Other names: c.3410_3417del, p.Leu1137fs (NM_001371271.1, NM_005270.5); c.2984_2991del, p.Leu995fs (NM_001374354.1); short protein forms L1120fs, L1137fs, L995fs.
Identifiers: ClinVar variation 4279702 (VCV004279702.1).

ClinVar aggregate classification (germline): Pathogenic (1 of 4 stars; one submission).

Conditions:
GLI2-related disorder. Also called: GLI2-related disorders; GLI2-related condition.

Submission:

Daryl Scott Lab, Baylor College of Medicine
Classification: Pathogenic for GLI2-related disorder. Last evaluated: 2025-08-25. Review status: criteria provided, single submitter. Criteria: ACMG Guidelines, 2015. Collection method: clinical testing. Allele origin: unknown. Affected: yes. Observed: 1 heterozygote.
Comment: PVS1, PM2